The following is an entry in ClinVar:

NM_025103.4(IFT74):c.1054+7405G>A

Gene: IFT74 (intraflagellar transport 74; plus strand). Cytogenetic location: 9p21.2.
Variant type: single nucleotide variant.
Coding change: c.1054+7405G>A on transcript NM_025103.4 (MANE Select); 7405 bases into the intron after coding-DNA position 1054, G replaced by A.
Molecular consequence: intron variant. On other transcripts: missense variant (1).
Genome position (GRCh38, 1-based): chr9:27,036,509, G>A. VCF-style: chr9-27036509-G-A. GRCh37 (hg19) VCF-style: chr9-27036507-G-A.
Other names: c.1114G>A, p.Val372Ile (NM_001099224.3); c.1054+7405G>A (NM_001099223.3, NM_001099222.3, NM_001349928.2); short protein forms V372I.
Identifiers: ClinVar variation 3349014 (VCV003349014.1).

ClinVar aggregate classification (germline): Uncertain significance (0 of 4 stars; one submission).

Conditions:
IFT74-related disorder. Also called: IFT74-related condition; IFT74-Related Disorders.

gnomAD v4.1: 6 of 1,613,446 alleles (0.00037%); highest among the groups gnomAD compares: African/African-American, 0.008%; no homozygotes.

Submission:

PreventionGenetics, part of Exact Sciences
Classification: Uncertain significance for IFT74-related condition. Last evaluated: 2024-03-07. Review status: no assertion criteria provided. Collection method: clinical testing. Allele origin: germline.
Comment: The IFT74 c.1114G>A variant is predicted to result in the amino acid substitution p.Val372Ile. To our knowledge, this variant has not been reported in the literature. This variant is reported in 0.013% of alleles in individuals of African descent in gnomAD. At this time, the clinical significance of this variant is uncertain due to the absence of conclusive functional and genetic evidence.